The following is an entry in ClinVar:

NM_006950.3(SYN1):c.1055+5G>A

Gene: SYN1 (synapsin I; minus strand). Cytogenetic location: Xp11.3.
Variant type: single nucleotide variant.
Coding change: c.1055+5G>A on transcript NM_006950.3 (MANE Select); 5 bases into the intron after coding-DNA position 1055, G replaced by A.
Molecular consequence: intron variant.
Genome position (GRCh38, 1-based): chrX:47,576,327, C>T on the plus strand (G>A on the coding strand, the complement: SYN1 is on the minus strand). VCF-style: chrX-47576327-C-T. GRCh37 (hg19) VCF-style: chrX-47435726-C-T.
Other names: c.1055+5G>A (NM_133499.2).
Identifiers: ClinVar variation 1056184 (VCV001056184.11), dbSNP rs1479589627, ClinGen allele CA875821599.

ClinVar aggregate classification (germline): Uncertain significance (1 of 4 stars; one submission).

Conditions:
Epilepsy, X-linked 1, with variable learning disabilities and behavior disorders. Also called: X-linked epilepsy-learning disabilities-behavior disorders syndrome. Identifiers: Orphanet 85294, MedGen C5774177, MONDO:0010339, OMIM 300491.

Allele frequency attached by ClinVar (database versions not stated): gnomAD exomes below 0.00001; gnomAD 0.00001; TOPMed 0.00001.
gnomAD v4.1: 3 of 1,210,086 alleles (0.00025%); highest among the groups gnomAD compares: Non-Finnish European, 0.00034%; no homozygotes.

Submission:

Labcorp Genetics (formerly Invitae), Labcorp
Classification: Uncertain significance for Epilepsy, X-linked 1, with variable learning disabilities and behavior disorders. Last evaluated: 2025-03-29. Review status: criteria provided, single submitter. Criteria: Invitae Variant Classification Sherloc (09022015). Collection method: clinical testing. Allele origin: germline.
Comment: This sequence change falls in intron 8 of the SYN1 gene. It does not directly change the encoded amino acid sequence of the SYN1 protein. It affects a nucleotide within the consensus splice site. This variant is not present in population databases (gnomAD no frequency). This variant has not been reported in the literature in individuals affected with SYN1-related conditions. ClinVar contains an entry for this variant (Variation ID: 1056184). Variants that disrupt the consensus splice site are a relatively common cause of aberrant splicing (PMID: 17576681, 9536098). Algorithms developed to predict the effect of sequence changes on RNA splicing suggest that this variant may disrupt the consensus splice site. In summary, the available evidence is currently insufficient to determine the role of this variant in disease. Therefore, it has been classified as a Variant of Uncertain Significance.

Literature cited by the submitters: PubMed 17576681; PubMed 9536098.